The following is an entry in ClinVar:

ClinVar aggregate classification (germline): Likely benign. Review status: criteria provided, multiple submitters, no conflicts (2 of 4 stars). 7 submissions from 7 submitters: Likely benign (6). 1 of the submissions does not count toward it. Last evaluated 2025-09-22.

Conditions:
MYH7-related disorder. Also called: MYH7-related disorders; MYH7-related condition; MYH7-related disease.
Cardiovascular phenotype. Identifiers: MedGen CN230736.
Cardiomyopathy (CMYO). Also called: Cardiomyopathies. Identifiers: Orphanet 167848, MedGen C0878544, MONDO:0004994, HP:0001638. Inheritance: Various modes of inheritance.
Hypertrophic cardiomyopathy. Also called: HYPERTROPHIC MYOCARDIOPATHY. Identifiers: Orphanet 217569, MedGen C0007194, MeSH D002312, MONDO:0005045, HP:0001639.

Allele frequency attached by ClinVar (database versions not stated): ExAC 0.00001; gnomAD 0.00002; TOPMed 0.00002; gnomAD exomes 0.00003.
gnomAD v4.1: 24 of 1,614,014 alleles (0.0015%); highest among the groups gnomAD compares: East Asian, 0.0022%; no homozygotes.

Submissions (7):

Labcorp Genetics (formerly Invitae), Labcorp
Classification: Likely benign for Hypertrophic cardiomyopathy. Last evaluated: 2025-09-22. Review status: criteria provided, single submitter. Criteria: Invitae Variant Classification Sherloc (09022015). Collection method: clinical testing. Allele origin: germline.

All of Us Research Program, National Institutes of Health
Classification: Likely benign for Cardiomyopathy. Last evaluated: 2023-12-13. Review status: criteria provided, single submitter. Criteria: ACMG Guidelines, 2015. Collection method: clinical testing. Allele origin: germline. Inheritance: Autosomal dominant inheritance. Observed: 7 variant alleles, 7 heterozygotes.
Comment: This study involves interpretation of variants in research participants for the purpose of population health screening. Participant phenotype was not available at the time of variant classification. Additional details can be found in publication PMID: 35346344, PMCID: PMC8962531

Ambry Genetics
Classification: Likely benign for Cardiovascular phenotype. Last evaluated: 2023-06-19. Review status: criteria provided, single submitter. Criteria: Ambry Variant Classification Scheme 2023. Collection method: clinical testing. Allele origin: germline.

Color Diagnostics, LLC DBA Color Health
Classification: Likely benign for Cardiomyopathy. Last evaluated: 2019-06-03. Review status: criteria provided, single submitter. Criteria: ACMG Guidelines, 2015. Collection method: clinical testing. Allele origin: germline.

CHEO Genetics Diagnostic Laboratory, Children's Hospital of Eastern Ontario
Classification: Likely benign for Cardiomyopathy. Last evaluated: 2017-08-24. Review status: criteria provided, single submitter. Criteria: ACMG Guidelines, 2015. Collection method: clinical testing. Allele origin: germline. Study: Canadian Open Genetics Repository.

GeneDx
Classification: Likely benign. Last evaluated: 2016-11-10. Review status: criteria provided, single submitter. Criteria: GeneDx Variant Classification (06012015). Collection method: clinical testing. Allele origin: germline. Affected: yes.
Comment: This variant is considered likely benign or benign based on one or more of the following criteria: it is a conservative change, it occurs at a poorly conserved position in the protein, it is predicted to be benign by multiple in silico algorithms, and/or has population frequency not consistent with disease.

PreventionGenetics, part of Exact Sciences
Classification: Likely benign for MYH7-related condition. Last evaluated: 2020-10-02. Review status: no assertion criteria provided. Collection method: clinical testing. Allele origin: germline. Not counted in ClinVar's aggregate classification.
Comment: This variant is classified as likely benign based on ACMG/AMP sequence variant interpretation guidelines (Richards et al. 2015 PMID: 25741868, with internal and published modifications).

NM_000257.4(MYH7):c.210C>T (p.Thr70=)

Gene: MYH7 (myosin heavy chain 7; minus strand). Cytogenetic location: 14q11.2.
Variant type: single nucleotide variant.
Coding change: c.210C>T on transcript NM_000257.4 (MANE Select); coding-DNA position 210, C replaced by T.
Protein change: p.Thr70=; no amino-acid change (threonine 70 retained).
Molecular consequence: synonymous variant.
Genome position (GRCh38, 1-based): chr14:23,433,219, G>A on the plus strand (C>T on the coding strand, the complement: MYH7 is on the minus strand). VCF-style: chr14-23433219-G-A. GRCh37 (hg19) VCF-style: chr14-23902428-G-A.
Other names: c.210C>T (LRG_384t1).
Identifiers: ClinVar variation 390722 (VCV000390722.20), dbSNP rs774429242, ClinGen allele CA031227.